The following is an entry in ClinVar:

NM_017780.4(CHD7):c.4885C>T (p.Arg1629Cys)

Gene: CHD7 (chromodomain helicase DNA binding protein 7; plus strand). Cytogenetic location: 8q12.2.
Variant type: single nucleotide variant.
Coding change: c.4885C>T on transcript NM_017780.4 (MANE Select); coding-DNA position 4885, C replaced by T.
Protein change: p.Arg1629Cys; replaces arginine 1629 with cysteine.
Molecular consequence: missense variant. On other transcripts: intron variant (1).
Genome position (GRCh38, 1-based): chr8:60,844,898, C>T. VCF-style: chr8-60844898-C-T. GRCh37 (hg19) VCF-style: chr8-61757457-C-T.
Other names: c.1717-17331C>T (NM_001316690.1); short protein forms R1629C.
Identifiers: ClinVar variation 966569 (VCV000966569.19), dbSNP rs745837768, ClinGen allele CA4760227.
Genomic context (GRCh38, chr8:60,844,898, plus strand): 5'-CTGCATGCTGGATATTTGCTTTGCAGTTGGGGACGGTGGACAGACATTCTTTCCCACGGA[C>T]GCTATAAACGCCAACTCACTGAGCAAGATGTAGAAACCATCTGCAGAACCATCCTGGTGT-3'
Protein context (NP_060250.2, residues 1619-1639): GRWTDILSHG[Arg1629Cys]YKRQLTEQDV

ClinVar aggregate classification (germline): Conflicting classifications of pathogenicity. Review status: criteria provided, conflicting classifications (1 of 4 stars). 6 submissions from 6 submitters: Uncertain significance (2); Likely benign (3). 1 of the submissions does not count toward it. Last evaluated 2025-12-20.

Conditions:
CHD7-related disorder. Also called: CHD7-related condition.
Inborn genetic diseases. Identifiers: MedGen C0950123, MeSH D030342.
CHARGE syndrome (CHARGE). Also called: Hittner Hirsch Kreh syndrome; Coloboma, heart anomaly, choanal atresia, retardation, genital and ear anomalies; CHARGE association; Hall-Hittner syndrome; CHARGE ASSOCIATION--COLOBOMA, HEART ANOMALY, CHOANAL ATRESIA, RETARDATION, GENITAL AND EAR ANOMALIES. Identifiers: Orphanet 138, MedGen C0265354, MONDO:0008965.

Allele frequency attached by ClinVar (database versions not stated): gnomAD exomes 0.00002 and 0.00003; TOPMed 0.00002; ExAC 0.00003; gnomAD 0.00003 and 0.00004.

Submissions (6):

Labcorp Genetics (formerly Invitae), Labcorp
Classification: Likely benign for CHARGE syndrome. Last evaluated: 2025-12-20. Review status: criteria provided, single submitter. Criteria: Invitae Variant Classification Sherloc (09022015). Collection method: clinical testing. Allele origin: germline.

GeneDx
Classification: Uncertain significance. Last evaluated: 2025-12-18. Review status: criteria provided, single submitter. Criteria: GeneDx Variant Classification Process June 2021. Collection method: clinical testing. Allele origin: germline. Affected: yes.
Comment: In silico analysis supports that this missense variant has a deleterious effect on protein structure/function; Has not been previously published as pathogenic or benign to our knowledge

Dasa
Classification: Uncertain significance. Last evaluated: 2025-03-14. Review status: criteria provided, single submitter. Criteria: DASA Assertion Criteria. Collection method: clinical testing. Allele origin: germline.
Comment: NM_017780.4(CHD7):c.4885C>T (p.Arg1629Cys) is a missense variant that results in the substitution of arginine with cysteine. This variant is rare in population databases. Computational prediction algorithms are consistent with a deleterious effect. The currently available literature and clinical evidence are not sufficient to establish a definitive association between this variant and the reported condition. Therefore, this variant is classified as a variant of uncertain significance.

Blueprint Genetics
Classification: Likely benign. Last evaluated: 2022-09-09. Review status: criteria provided, single submitter. Criteria: ACMG Guidelines, 2015. Collection method: clinical testing. Allele origin: germline.

Ambry Genetics
Classification: Likely benign for Inborn genetic diseases. Last evaluated: 2019-01-05. Review status: criteria provided, single submitter. Criteria: Ambry Variant Classification Scheme 2023. Collection method: clinical testing. Allele origin: germline.

PreventionGenetics, part of Exact Sciences
Classification: Uncertain significance for CHD7-related condition. Last evaluated: 2024-01-16. Review status: no assertion criteria provided. Collection method: clinical testing. Allele origin: germline. Not counted in ClinVar's aggregate classification.
Comment: The CHD7 c.4885C>T variant is predicted to result in the amino acid substitution p.Arg1629Cys. To our knowledge, this variant has not been reported in the literature. This variant is reported in 0.0083% of alleles in individuals of African descent in gnomAD. At this time, the clinical significance of this variant is uncertain due to the absence of conclusive functional and genetic evidence.